The following is an entry in ClinVar:

ClinVar aggregate classification (germline): Uncertain significance. Review status: criteria provided, multiple submitters, no conflicts (2 of 4 stars). 2 submissions from 2 submitters: Uncertain significance (2). Last evaluated 2023-02-28.

Submissions (2):

Blueprint Genetics
Classification: Uncertain significance. Last evaluated: 2023-02-28. Review status: criteria provided, single submitter. Criteria: ACMG Guidelines, 2015. Collection method: clinical testing. Allele origin: germline.

Labcorp Genetics (formerly Invitae), Labcorp
Classification: Uncertain significance. Last evaluated: 2022-10-11. Review status: criteria provided, single submitter. Criteria: Invitae Variant Classification Sherloc (09022015). Collection method: clinical testing. Allele origin: germline.
Comment: This premature translational stop signal has been observed in individual(s) with clinical features of SPECC1L-related conditions (Invitae). In summary, the available evidence is currently insufficient to determine the role of this variant in disease. Therefore, it has been classified as a Variant of Uncertain Significance. This variant is not present in population databases (gnomAD no frequency). This sequence change creates a premature translational stop signal (p.Met166Ilefs*20) in the SPECC1L gene. It is expected to result in an absent or disrupted protein product. However, the current clinical and genetic evidence is not sufficient to establish whether loss-of-function variants in SPECC1L cause disease.

NM_015330.6(SPECC1L):c.498del (p.Met166fs)

Genes: SPECC1L (sperm antigen with calponin homology and coiled-coil domains 1 like; plus strand), SPECC1L-ADORA2A (SPECC1L-ADORA2A readthrough (NMD candidate); plus strand). Cytogenetic location: 22q11.23.
Variant type: Deletion.
Coding change: c.498del on transcript NM_015330.6 (MANE Select); coding-DNA position 498, one base deleted (G; older notation c.498delG).
Protein change: p.Met166fs; shifts the reading frame from methionine 166.
Molecular consequence: frameshift variant. On other transcripts: non-coding transcript variant (1).
Genome position (GRCh38, 1-based): chr22:24,321,478, G deleted. VCF-style (leftmost placement, unchanged base first): chr22-24321477-TG-T. GRCh37 (hg19) VCF-style: chr22-24717445-TG-T.
Other names: c.498del, p.Met166fs (NM_001145468.4, NM_001254732.3); short protein forms M166fs.
Identifiers: ClinVar variation 2031050 (VCV002031050.5), dbSNP rs2517650507, ClinGen allele CA2580099263.
Genomic context (GRCh38, chr22:24,321,477, plus strand): 5'-ATGACATGGCATTGGCCAAACGTTCCCGCAGTCGAACTGCTACAGAATGTGACGTTCGTA[TG>T]AGCAAGTCTAAGTCAGACAATCAGATCAGTGACAGAGCTGCTTTGGAGGCCAAAGTGAAG-3'